The following is an entry in ClinVar:

NM_032043.3(BRIP1):c.84dup (p.Met29fs)

Gene: BRIP1 (BRCA1 interacting DNA helicase 1; minus strand). Cytogenetic location: 17q23.2.
Variant type: Duplication.
Coding change: c.84dup on transcript NM_032043.3 (MANE Select); coding-DNA position 84, one base duplicated (G; older notation c.84dupG).
Protein change: p.Met29fs; shifts the reading frame from methionine 29.
Molecular consequence: frameshift variant.
Genome position (GRCh38, 1-based): chr17:61,861,456, C duplicated on the plus strand (G on the coding strand, the reverse complement: BRIP1 is on the minus strand). VCF-style (leftmost placement, unchanged base first): chr17-61861455-T-TC. GRCh37 (hg19) VCF-style: chr17-59938816-T-TC.
Other names: short protein forms M29fs.
Identifiers: ClinVar variation 2583618 (VCV002583618.2), dbSNP rs2545479728, ClinGen allele CA2582342263.
Genomic context (GRCh38, chr17:61,861,455, plus strand): 5'-GGTCATAAGTATCTATATCTTAATAAAAACTTAACTGCTGAAAAATACTTACAGAATTCA[T>TC]CATAGCAAGCTGTGACGGGTAAGCTTTATAAGGAAAGTAAATCTTCACCCCACCAATTGT-3'

ClinVar aggregate classification (germline): Pathogenic (1 of 4 stars; one submission).

Conditions:
Familial cancer of breast. Also called: Hereditary breast cancer; BREAST CANCER, FAMILIAL; hereditary breast carcinoma. Identifiers: Orphanet 227535, MedGen C0346153, MONDO:0016419, OMIM 114480. Disease mechanism: loss of function.

Submission:

Myriad Genetics, Inc.
Classification: Pathogenic for Familial cancer of breast. Last evaluated: 2023-05-30. Review status: criteria provided, single submitter. Criteria: Myriad Autosomal Dominant, Autosomal Recessive and X-Linked Classification Criteria (2023). Collection method: clinical testing. Allele origin: unknown.
Comment: This variant is considered pathogenic. This variant creates a frameshift predicted to result in premature protein truncation.